The following is an entry in ClinVar:

NM_012452.3(TNFRSF13B):c.-20A>G

Gene: TNFRSF13B (TNF receptor superfamily member 13B; minus strand). Cytogenetic location: 17p11.2.
Variant type: single nucleotide variant.
Coding change: c.-20A>G on transcript NM_012452.3 (MANE Select); 20 bases upstream of the start codon, A replaced by G.
Molecular consequence: 5 prime UTR variant.
Genome position (GRCh38, 1-based): chr17:16,972,095, T>C on the plus strand (A>G on the coding strand, the complement: TNFRSF13B is on the minus strand). VCF-style: chr17-16972095-T-C. GRCh37 (hg19) VCF-style: chr17-16875409-T-C.
Identifiers: ClinVar variation 974980 (VCV000974980.1), dbSNP rs754331452, ClinGen allele CA8414180.

ClinVar aggregate classification (germline): Benign (1 of 4 stars; one submission).

Allele frequency attached by ClinVar (database versions not stated): ExAC 0.00001; gnomAD exomes 0.00005; gnomAD 0.00014 and 0.00016; TOPMed 0.00014.
gnomAD v4.1: 50 of 1,613,370 alleles (0.0031%); highest among the groups gnomAD compares: African/African-American, 0.053%; no homozygotes.

Submission:

Women's Health and Genetics/Laboratory Corporation of America, LabCorp
Classification: Benign. Last evaluated: 2020-07-28. Review status: criteria provided, single submitter. Criteria: LabCorp Variant Classification Summary - May 2015. Collection method: clinical testing. Allele origin: germline.
Comment: Variant summary: TNFRSF13B c.-20A>G is located in the untranscribed region upstream of the TNFRSF13B gene region. The variant allele was found at a frequency of 5.3e-05 in 282258 control chromosomes. The observed variant frequency is approximately 18.6-fold the estimated maximal expected allele frequency for a pathogenic variant in TNFRSF13B causing Common Variable Immunodeficiency phenotype (2.9e-06), strongly suggesting that the variant is benign. To our knowledge, no occurrence of c.-20A>G in individuals affected with Common Variable Immunodeficiency and no experimental evidence demonstrating its impact on protein function have been reported. No clinical diagnostic laboratories have submitted clinical-significance assessments for this variant to ClinVar after 2014. Based on the evidence outlined above, the variant was classified as benign.